The following is an entry in ClinVar:

NM_145239.3(PRRT2):c.848_863del (p.Val283fs)

Genes: MVP-DT (MVP divergent transcript; minus strand), PRRT2 (proline rich transmembrane protein 2; plus strand). Cytogenetic location: 16p11.2.
Variant type: Deletion.
Coding change: c.848_863del on transcript NM_145239.3 (MANE Select); coding-DNA positions 848 to 863, 16 bases deleted (TCAACATCGTGGCCTT).
Protein change: p.Val283fs; shifts the reading frame from valine 283.
Molecular consequence: frameshift variant.
Genome position (GRCh38, 1-based): chr16:29,813,902-29,813,917, TCAACATCGTGGCCTT deleted. VCF-style (leftmost placement, unchanged base first): chr16-29813901-GTCAACATCGTGGCCTT-G. GRCh37 (hg19) VCF-style: chr16-29825222-GTCAACATCGTGGCCTT-G.
Other names: c.848_863del (NM_145239.2); c.848_863del, p.Val283fs (NM_001256442.2, NM_001256443.2); short protein forms V283fs.
Identifiers: ClinVar variation 663069 (VCV000663069.7), dbSNP rs1596893071, ClinGen allele CA915949234.

ClinVar aggregate classification (germline): Pathogenic (1 of 4 stars; one submission).

Conditions:
Episodic kinesigenic dyskinesia (EKD). Also called: Paroxysmal kinesigenic dyskinesia. Identifiers: Orphanet 98809, MedGen C1868682, MONDO:0044202.

Submission:

Labcorp Genetics (formerly Invitae), Labcorp
Classification: Pathogenic for Episodic kinesigenic dyskinesia. Last evaluated: 2025-06-06. Review status: criteria provided, single submitter. Criteria: Invitae Variant Classification Sherloc (09022015). Collection method: clinical testing. Allele origin: germline.
Comment: This sequence change creates a premature translational stop signal (p.Val283Alafs*25) in the PRRT2 gene. It is expected to result in an absent or disrupted protein product. Loss-of-function variants in PRRT2 are known to be pathogenic (PMID: 22623405, 22744660). This variant is not present in population databases (gnomAD no frequency). This variant has not been reported in the literature in individuals affected with PRRT2-related conditions. ClinVar contains an entry for this variant (Variation ID: 663069). For these reasons, this variant has been classified as Pathogenic.

Literature cited by the submitters: PubMed 22623405; PubMed 22744660.